The following is an entry in ClinVar:

NM_001105206.3(LAMA4):c.5393T>G (p.Ile1798Ser)

Gene: LAMA4 (laminin subunit alpha 4; minus strand). Cytogenetic location: 6q21.
Variant type: single nucleotide variant.
Coding change: c.5393T>G on transcript NM_001105206.3 (MANE Select); coding-DNA position 5393, T replaced by G.
Protein change: p.Ile1798Ser; replaces isoleucine 1798 with serine.
Molecular consequence: missense variant.
Genome position (GRCh38, 1-based): chr6:112,109,516, A>C on the plus strand (T>G on the coding strand, the complement: LAMA4 is on the minus strand). VCF-style: chr6-112109516-A-C. GRCh37 (hg19) VCF-style: chr6-112430719-A-C.
Other names: c.5372T>G, p.Ile1791Ser (NM_001105207.3, NM_002290.5); short protein forms I1798S, I1791S.
Identifiers: ClinVar variation 1358760 (VCV001358760.10), dbSNP rs377204776, ClinGen allele CA365363538.

ClinVar aggregate classification (germline): Uncertain significance. Review status: criteria provided, multiple submitters, no conflicts (2 of 4 stars). 2 submissions from 2 submitters: Uncertain significance (2). Last evaluated 2021-05-19.

Conditions:
Cardiovascular phenotype. Identifiers: MedGen CN230736.
Dilated cardiomyopathy 1JJ (CMD1JJ). Identifiers: Orphanet 154, MedGen C3808935, MONDO:0014095, OMIM 615235.

Submissions (2):

Ambry Genetics
Classification: Uncertain significance for Cardiovascular phenotype. Last evaluated: 2021-05-19. Review status: criteria provided, single submitter. Criteria: Ambry Variant Classification Scheme 2023. Collection method: clinical testing. Allele origin: germline.
Comment: The p.I1791S variant (also known as c.5372T>G), located in coding exon 38 of the LAMA4 gene, results from a T to G substitution at nucleotide position 5372. The isoleucine at codon 1791 is replaced by serine, an amino acid with dissimilar properties. This amino acid position is highly conserved in available vertebrate species. In addition, this alteration is predicted to be deleterious by in silico analysis. Since supporting evidence is limited at this time, the clinical significance of this alteration remains unclear.

Labcorp Genetics (formerly Invitae), Labcorp
Classification: Uncertain significance for Dilated cardiomyopathy 1JJ. Last evaluated: 2020-12-22. Review status: criteria provided, single submitter. Criteria: Invitae Variant Classification Sherloc (09022015). Collection method: clinical testing. Allele origin: germline.
Comment: This sequence change replaces isoleucine with serine at codon 1791 of the LAMA4 protein (p.Ile1791Ser). The isoleucine residue is highly conserved and there is a large physicochemical difference between isoleucine and serine. This variant is not present in population databases (ExAC no frequency). This variant has not been reported in the literature in individuals with LAMA4-related conditions. Algorithms developed to predict the effect of missense changes on protein structure and function are either unavailable or do not agree on the potential impact of this missense change (SIFT: "Deleterious"; PolyPhen-2: "Possibly Damaging"; Align-GVGD: "Class C0"). In summary, the available evidence is currently insufficient to determine the role of this variant in disease. Therefore, it has been classified as a Variant of Uncertain Significance.